The following is an entry in ClinVar:

NM_014297.5(ETHE1):c.81+1G>T

Gene: ETHE1 (ETHE1 persulfide dioxygenase; minus strand). Cytogenetic location: 19q13.31.
Variant type: single nucleotide variant.
Coding change: c.81+1G>T on transcript NM_014297.5 (MANE Select); the canonical splice donor site of the intron after coding-DNA position 81, G replaced by T.
Molecular consequence: splice donor variant.
Genome position (GRCh38, 1-based): chr19:43,527,096, C>A on the plus strand (G>T on the coding strand, the complement: ETHE1 is on the minus strand). VCF-style: chr19-43527096-C-A. GRCh37 (hg19) VCF-style: chr19-44031248-C-A.
Other names: c.81+1G>T (NM_001320869.2, NM_001320867.2); c.-140+1G>T (NM_001320868.2).
Identifiers: ClinVar variation 2420152 (VCV002420152.9), dbSNP rs2513631545, ClinGen allele CA406181957.

ClinVar aggregate classification (germline): Likely pathogenic. Review status: criteria provided, multiple submitters, no conflicts (2 of 4 stars). 2 submissions from 2 submitters: Likely pathogenic (2). Last evaluated 2024-06-13.

Conditions:
Ethylmalonic encephalopathy (EE). Also called: EPEMA syndrome; Encephalopathy, petechiae, and ethylmalonic aciduria; Syndrome of encephalopathy, petechiae, and ethylmalonic aciduria. Identifiers: Orphanet 51188, MedGen C1865349, MONDO:0011229, OMIM 602473. Disease mechanism: loss of function.

Submissions (2):

Women's Health and Genetics/Laboratory Corporation of America, LabCorp
Classification: Likely pathogenic for Ethylmalonic encephalopathy. Last evaluated: 2024-06-13. Review status: criteria provided, single submitter. Criteria: LabCorp Variant Classification Summary - May 2015. Collection method: clinical testing. Allele origin: germline.
Comment: Variant summary: ETHE1 c.81+1G>T is located in a canonical splice-site and is predicted to affect mRNA splicing resulting in a significantly altered protein due to either exon skipping, shortening, or inclusion of intronic material. Several computational tools predict a significant impact on normal splicing: Three predict the variant abolishes the canonical 5' splicing donor site. One predict the variant no significant impact on splicing. However, these predictions have yet to be confirmed by functional studies. The variant was absent in 154764 control chromosomes. To our knowledge, no occurrence of c.81+1G>T in individuals affected with Ethylmalonic Encephalopathy and no experimental evidence demonstrating its impact on protein function have been reported. ClinVar contains an entry for this variant (Variation ID: 2420152). Based on the evidence outlined above, the variant was classified as likely pathogenic.

Labcorp Genetics (formerly Invitae), Labcorp
Classification: Likely pathogenic for Ethylmalonic encephalopathy. Last evaluated: 2021-12-23. Review status: criteria provided, single submitter. Criteria: Invitae Variant Classification Sherloc (09022015). Collection method: clinical testing. Allele origin: germline.
Comment: This variant is not present in population databases (gnomAD no frequency). This sequence change affects a donor splice site in intron 1 of the ETHE1 gene. It is expected to disrupt RNA splicing. Variants that disrupt the donor or acceptor splice site typically lead to a loss of protein function (PMID: 16199547), and loss-of-function variants in ETHE1 are known to be pathogenic (PMID: 14732903, 19136963). This variant has not been reported in the literature in individuals affected with ETHE1-related conditions. Algorithms developed to predict the effect of sequence changes on RNA splicing suggest that this variant may disrupt the consensus splice site. In summary, the currently available evidence indicates that the variant is pathogenic, but additional data are needed to prove that conclusively. Therefore, this variant has been classified as Likely Pathogenic.

Literature cited by the submitters: PubMed 16199547 (cited by Labcorp Genetics (formerly Invitae), Labcorp); PubMed 14732903 (cited by Labcorp Genetics (formerly Invitae), Labcorp); PubMed 19136963 (cited by Labcorp Genetics (formerly Invitae), Labcorp).